The following is an entry in ClinVar:

ClinVar aggregate classification (germline): Uncertain significance (1 of 4 stars; one submission).

Allele frequency attached by ClinVar (database versions not stated): gnomAD exomes below 0.00001 and 0.00001.
gnomAD v4.1: 4 of 1,550,302 alleles (0.00026%); highest among the groups gnomAD compares: South Asian, 0.0012%; no homozygotes.

Submission:

Labcorp Genetics (formerly Invitae), Labcorp
Classification: Uncertain significance. Last evaluated: 2022-11-15. Review status: criteria provided, single submitter. Criteria: Invitae Variant Classification Sherloc (09022015). Collection method: clinical testing. Allele origin: germline.
Comment: In summary, the available evidence is currently insufficient to determine the role of this variant in disease. Therefore, it has been classified as a Variant of Uncertain Significance. Algorithms developed to predict the effect of missense changes on protein structure and function are either unavailable or do not agree on the potential impact of this missense change (SIFT: "Deleterious"; PolyPhen-2: "Probably Damaging"; Align-GVGD: "Class C15"). ClinVar contains an entry for this variant (Variation ID: 1464204). This variant has not been reported in the literature in individuals affected with OTOG-related conditions. This variant is present in population databases (no rsID available, gnomAD 0.002%). This sequence change replaces valine, which is neutral and non-polar, with methionine, which is neutral and non-polar, at codon 2191 of the OTOG protein (p.Val2191Met).

NM_001292063.2(OTOG):c.6535G>A (p.Val2179Met)

Gene: OTOG (otogelin; plus strand). Cytogenetic location: 11p15.1.
Variant type: single nucleotide variant.
Coding change: c.6535G>A on transcript NM_001292063.2 (MANE Select); coding-DNA position 6535, G replaced by A.
Protein change: p.Val2179Met; replaces valine 2179 with methionine.
Molecular consequence: missense variant.
Genome position (GRCh38, 1-based): chr11:17,629,139, G>A. VCF-style: chr11-17629139-G-A. GRCh37 (hg19) VCF-style: chr11-17650686-G-A.
Other names: c.6571G>A, p.Val2191Met (NM_001277269.2); short protein forms V2179M, V2191M.
Identifiers: ClinVar variation 1464204 (VCV001464204.6), dbSNP rs1287695716, ClinGen allele CA379807602.
Genomic context (GRCh38, chr11:17,629,139, plus strand): 5'-GATGGATGAATGAATGGATGGACAAGCTGTGCTCACACTGAATTCCCTCCCAAGGTGACT[G>A]TGGACTTGCAGCCTGTGTGGCCACCGGTGAGCAGGTATGGATTCAGAATTGAGGACACAG-3'
Protein context (NP_001278992.1, residues 2169-2189): TIDRFNRKVT[Val2179Met]DLQPVWPPVS